The following is an entry in ClinVar:

ClinVar aggregate classification (germline): Uncertain significance (1 of 4 stars; one submission).

Conditions:
Neutral lipid storage myopathy (NLSDM). Also called: NEUTRAL LIPID STORAGE DISEASE WITHOUT ICHTHYOSIS. Identifiers: Orphanet 98908, MedGen C1853136, MONDO:0012545, OMIM 610717.

Submission:

Labcorp Genetics (formerly Invitae), Labcorp
Classification: Uncertain significance for Neutral lipid storage myopathy. Last evaluated: 2022-08-16. Review status: criteria provided, single submitter. Criteria: Invitae Variant Classification Sherloc (09022015). Collection method: clinical testing. Allele origin: germline.
Comment: This sequence change replaces proline, which is neutral and non-polar, with leucine, which is neutral and non-polar, at codon 260 of the PNPLA2 protein (p.Pro260Leu). This variant is not present in population databases (gnomAD no frequency). This variant has not been reported in the literature in individuals affected with PNPLA2-related conditions. ClinVar contains an entry for this variant (Variation ID: 842281). Algorithms developed to predict the effect of missense changes on protein structure and function (SIFT, PolyPhen-2, Align-GVGD) all suggest that this variant is likely to be tolerated. In summary, the available evidence is currently insufficient to determine the role of this variant in disease. Therefore, it has been classified as a Variant of Uncertain Significance.

NM_020376.4(PNPLA2):c.779C>T (p.Pro260Leu)

Gene: PNPLA2 (patatin like domain 2, triacylglycerol lipase; plus strand). Cytogenetic location: 11p15.5.
Variant type: single nucleotide variant.
Coding change: c.779C>T on transcript NM_020376.4 (MANE Select); coding-DNA position 779, C replaced by T.
Protein change: p.Pro260Leu; replaces proline 260 with leucine.
Molecular consequence: missense variant.
Genome position (GRCh38, 1-based): chr11:823,715, C>T. VCF-style: chr11-823715-C-T. GRCh37 (hg19) VCF-style: chr11-823715-C-T.
Other names: short protein forms P260L.
Identifiers: ClinVar variation 842281 (VCV000842281.9), dbSNP rs1845754676, ClinGen allele CA378981151.